The following is an entry in ClinVar:

ClinVar aggregate classification (germline): Benign/Likely benign. Review status: criteria provided, multiple submitters, no conflicts (2 of 4 stars). 5 submissions from 5 submitters: Benign (2); Likely benign (3). Last evaluated 2026-07-09.

Conditions:
Hereditary cancer-predisposing syndrome. Also called: Hereditary Cancer Syndrome; Hereditary neoplastic syndrome; Neoplastic Syndromes, Hereditary; Tumor predisposition. Identifiers: Orphanet 140162, MedGen C0027672, MeSH D009386, MONDO:0015356.
Rhabdoid tumor predisposition syndrome 2 (RTPS2). Identifiers: Orphanet 231108, Orphanet 69077, MedGen C2750074, MONDO:0013224, OMIM 613325.

Allele frequency attached by ClinVar (database versions not stated): ExAC 0.00002; gnomAD exomes 0.00002; TOPMed 0.00002.
gnomAD v4.1: 14 of 1,607,554 alleles (0.00087%); highest among the groups gnomAD compares: East Asian, 0.0022%; no homozygotes.

Submissions (5):

Myriad Genetics, Inc.
Classification: Benign for Rhabdoid tumor predisposition syndrome 2. Last evaluated: 2026-07-09. Review status: criteria provided, single submitter. Criteria: Myriad Autosomal Dominant, Autosomal Recessive and X-Linked Classification Criteria (2023). Collection method: clinical testing. Allele origin: unknown.
Comment: This variant is considered benign. This variant is a silent/synonymous amino acid change and it is not expected to impact splicing.

Labcorp Genetics (formerly Invitae), Labcorp
Classification: Likely benign for Rhabdoid tumor predisposition syndrome 2. Last evaluated: 2025-11-24. Review status: criteria provided, single submitter. Criteria: Invitae Variant Classification Sherloc (09022015). Collection method: clinical testing. Allele origin: germline.

Quest Diagnostics Nichols Institute San Juan Capistrano
Classification: Benign. Last evaluated: 2025-09-12. Review status: criteria provided, single submitter. Criteria: Quest Diagnostics criteria. Collection method: clinical testing. Allele origin: unknown.

GeneDx
Classification: Likely benign. Last evaluated: 2016-11-14. Review status: criteria provided, single submitter. Criteria: GeneDx Variant Classification (06012015). Collection method: clinical testing. Allele origin: germline. Affected: yes.
Comment: This variant is considered likely benign or benign based on one or more of the following criteria: it is a conservative change, it occurs at a poorly conserved position in the protein, it is predicted to be benign by multiple in silico algorithms, and/or has population frequency not consistent with disease.

Ambry Genetics
Classification: Likely benign for Hereditary cancer-predisposing syndrome. Last evaluated: 2015-07-27. Review status: criteria provided, single submitter. Criteria: Ambry Variant Classification Scheme 2023. Collection method: clinical testing. Allele origin: germline.

NM_003072.5(SMARCA4):c.1017C>T (p.Pro339=)

Gene: SMARCA4 (SWI/SNF related BAF chromatin remodeling complex subunit ATPase 4; plus strand). Cytogenetic location: 19p13.2.
Variant type: single nucleotide variant.
Coding change: c.1017C>T on transcript NM_003072.5 (MANE Select); coding-DNA position 1017, C replaced by T.
Protein change: p.Pro339=; no amino-acid change (proline 339 retained).
Molecular consequence: synonymous variant. On other transcripts: non-coding transcript variant (1).
Genome position (GRCh38, 1-based): chr19:10,987,823, C>T. VCF-style: chr19-10987823-C-T. GRCh37 (hg19) VCF-style: chr19-11098499-C-T.
Other names: c.1017C>T, p.Pro339= (NM_001128844.3, NM_001128845.2, NM_001128846.2 and 5 more transcripts).
Identifiers: ClinVar variation 391016 (VCV000391016.19), dbSNP rs772609063, ClinGen allele CA9203656.
Genomic context (GRCh38, chr19:10,987,823, plus strand): 5'-ACCCGCCGCCTCGCCCGTGATGCCACCGCAGACCCAGTCCCCCGGGCAGCCGGCCCAGCC[C>T]GCGCCCATGGTGCCACTGCACCAGAAGCAGAGCCGCATCACCCCCATCCAGAAGCCGCGG-3'
Protein context (NP_003063.2, residues 329-349): QTQSPGQPAQ[Pro339=]APMVPLHQKQ